The following is an entry in ClinVar:

ClinVar aggregate classification (germline): Uncertain significance (1 of 4 stars; one submission).

gnomAD v4.1: 1 of 1,613,832 alleles (0.000062%); highest among the groups gnomAD compares: East Asian, 0.0022%; no homozygotes.

Submission:

CeGaT Center for Human Genetics Tuebingen
Classification: Uncertain significance. Last evaluated: 2025-07-01. Review status: criteria provided, single submitter. Criteria: CeGaT Center For Human Genetics Tuebingen Variant Classification Criteria Version 2. Collection method: clinical testing. Allele origin: germline. Affected: yes. Observed: 1 variant allele.
Comment: KLF1: PM2:Supporting, PP3

NM_006563.5(KLF1):c.1070A>C (p.His357Pro)

Gene: KLF1 (KLF transcription factor 1; minus strand). Cytogenetic location: 19p13.13.
Variant type: single nucleotide variant.
Coding change: c.1070A>C on transcript NM_006563.5 (MANE Select); coding-DNA position 1070, A replaced by C.
Protein change: p.His357Pro; replaces histidine 357 with proline.
Molecular consequence: missense variant.
Genome position (GRCh38, 1-based): chr19:12,884,904, T>G on the plus strand (A>C on the coding strand, the complement: KLF1 is on the minus strand). VCF-style: chr19-12884904-T-G. GRCh37 (hg19) VCF-style: chr19-12995718-T-G.
Other names: short protein forms H357P.
Identifiers: ClinVar variation 4085515 (VCV004085515.8).